The following is an entry in ClinVar:

NM_001394372.1(BICRA):c.2810del (p.Pro937fs)

Gene: BICRA (BRD4 interacting chromatin remodeling complex associated protein; plus strand). Cytogenetic location: 19q13.33.
Variant type: Deletion.
Coding change: c.2810del on transcript NM_001394372.1 (MANE Select); coding-DNA position 2810, one base deleted (C; older notation c.2810delC).
Protein change: p.Pro937fs; shifts the reading frame from proline 937.
Molecular consequence: frameshift variant.
Genome position (GRCh38, 1-based): chr19:47,694,641, C deleted; the last of 8 consecutive C bases (chr19:47,694,634-47,694,641); deleting any one gives the same sequence. VCF-style (leftmost placement, unchanged base first): chr19-47694633-AC-A. GRCh37 (hg19) VCF-style: chr19-48197890-AC-A.
Other names: c.2810del, p.Pro937fs (NM_015711.3); short protein forms P937fs.
Identifiers: ClinVar variation 2662235 (VCV002662235.2), dbSNP rs755506199, ClinGen allele CA9541991.

ClinVar aggregate classification (germline): Pathogenic (1 of 4 stars; one submission).

Submission:

GeneDx
Classification: Pathogenic. Last evaluated: 2026-07-18. Review status: criteria provided, single submitter. Criteria: GeneDx Variant Classification Process June 2021. Collection method: clinical testing. Allele origin: germline.
Comment: Frameshift variant predicted to result in protein truncation or nonsense mediated decay in a gene for which loss of function is a known mechanism of disease; This variant is associated with the following publications: (PMID: 38958063)